The following is an entry in ClinVar:

NM_000466.3(PEX1):c.3692A>G (p.Gln1231Arg)

Genes: GATAD1 (GATA zinc finger domain containing 1; plus strand), PEX1 (peroxisomal biogenesis factor 1; minus strand). Cytogenetic location: 7q21.2.
Variant type: single nucleotide variant.
Coding change: c.3692A>G on transcript NM_000466.3 (MANE Select); coding-DNA position 3692, A replaced by G.
Protein change: p.Gln1231Arg; replaces glutamine 1231 with arginine.
Molecular consequence: missense variant.
Genome position (GRCh38, 1-based): chr7:92,489,368, T>C on the plus strand (A>G on the coding strand, the complement: PEX1 is on the minus strand). VCF-style: chr7-92489368-T-C. GRCh37 (hg19) VCF-style: chr7-92118682-T-C.
Other names: c.3521A>G, p.Gln1174Arg (NM_001282677.2); c.3068A>G, p.Gln1023Arg (NM_001282678.2); short protein forms Q1231R, Q1023R, Q1174R.
Identifiers: ClinVar variation 595832 (VCV000595832.12), dbSNP rs766682184, ClinGen allele CA4340757.
Genomic context (GRCh38, chr7:92,489,368, plus strand): 5'-TTCCAGTCATCTTCACTAATGGATGGTCTTGTGTGACCAAGTGCAGTCATTAAATGTGAC[T>C]GACTAATAGCCAGTCTGGTTTTGATTGGTCCTGGTTGGTTCATGGATTCGTCCTCCTTAA-3'
Protein context (NP_000457.1, residues 1221-1241): GPIKTRLAIS[Gln1231Arg]SHLMTALGHT

ClinVar aggregate classification (germline): Uncertain significance. Review status: criteria provided, multiple submitters, no conflicts (2 of 4 stars). 4 submissions from 4 submitters: Uncertain significance (3). 1 of the submissions does not count toward it. Last evaluated 2024-10-29.

Conditions:
Zellweger spectrum disorders (ZS). Also called: Zellweger Spectrum Disorder; Zellweger Spectrum; Zellweger Spectrum Disorder (ZSD); Zellweger syndrome. Identifiers: Orphanet 912, MedGen C0043459, MONDO:0019609.

Allele frequency attached by ClinVar (database versions not stated): gnomAD 0.00001; TOPMed 0.00001; gnomAD exomes 0.00002; ExAC 0.00003.
gnomAD v4.1: 13 of 1,612,332 alleles (0.00081%); highest among the groups gnomAD compares: Non-Finnish European, 0.00085%; no homozygotes.

Submissions (4):

Blueprint Genetics
Classification: Uncertain significance. Last evaluated: 2024-10-29. Review status: criteria provided, single submitter. Criteria: ACMG Guidelines, 2015. Collection method: clinical testing. Allele origin: germline.

Labcorp Genetics (formerly Invitae), Labcorp
Classification: Uncertain significance for Zellweger spectrum disorders. Last evaluated: 2023-11-27. Review status: criteria provided, single submitter. Criteria: Invitae Variant Classification Sherloc (09022015). Collection method: clinical testing. Allele origin: germline.
Comment: This sequence change replaces glutamine, which is neutral and polar, with arginine, which is basic and polar, at codon 1231 of the PEX1 protein (p.Gln1231Arg). This variant is present in population databases (rs766682184, gnomAD 0.005%). This variant has not been reported in the literature in individuals affected with PEX1-related conditions. ClinVar contains an entry for this variant (Variation ID: 595832). Advanced modeling of protein sequence and biophysical properties (such as structural, functional, and spatial information, amino acid conservation, physicochemical variation, residue mobility, and thermodynamic stability) has been performed at Invitae for this missense variant, however the output from this modeling did not meet the statistical confidence thresholds required to predict the impact of this variant on PEX1 protein function. In summary, the available evidence is currently insufficient to determine the role of this variant in disease. Therefore, it has been classified as a Variant of Uncertain Significance.

Eurofins Ntd Llc (ga)
Classification: Uncertain significance. Last evaluated: 2018-01-24. Review status: criteria provided, single submitter. Criteria: EGL Classification Definitions 2015. Collection method: clinical testing. Allele origin: germline. Observed: 1 variant allele, 1 heterozygote.

Natera, Inc.
Classification: Uncertain significance for Zellweger syndrome. Last evaluated: 2018-12-17. Review status: no assertion criteria provided. Collection method: clinical testing. Allele origin: germline. Not counted in ClinVar's aggregate classification.